The following is an entry in ClinVar:

ClinVar aggregate classification (germline): Likely benign (1 of 4 stars; one submission).

Allele frequency attached by ClinVar (database versions not stated): TOPMed below 0.00001; ExAC 0.00001; gnomAD 0.00001; gnomAD exomes 0.00001.
gnomAD v4.1: 13 of 1,611,590 alleles (0.00081%); highest among the groups gnomAD compares: African/African-American, 0.0093%; no homozygotes.

Submission:

CeGaT Center for Human Genetics Tuebingen
Classification: Likely benign. Last evaluated: 2023-01-01. Review status: criteria provided, single submitter. Criteria: CeGaT Center For Human Genetics Tuebingen Variant Classification Criteria Version 2. Collection method: clinical testing. Allele origin: germline. Affected: yes. Observed: 1 variant allele.
Comment: ALPG: BP4, BP7

NM_031313.3(ALPG):c.1398C>T (p.His466=)

Gene: ALPG (alkaline phosphatase, germ cell; plus strand). Cytogenetic location: 2q37.1.
Variant type: single nucleotide variant.
Coding change: c.1398C>T on transcript NM_031313.3 (MANE Select); coding-DNA position 1398, C replaced by T.
Protein change: p.His466=; no amino-acid change (histidine 466 retained).
Molecular consequence: synonymous variant.
Genome position (GRCh38, 1-based): chr2:232,409,671, C>T. VCF-style: chr2-232409671-C-T. GRCh37 (hg19) VCF-style: chr2-233274381-C-T.
Identifiers: ClinVar variation 2652007 (VCV002652007.24), dbSNP rs756069446, ClinGen allele CA2166114.
Genomic context (GRCh38, chr2:232,409,671, plus strand): 5'-GGACGGAGAGACCCACGCAGGCGAGGACGTGGCGGTGTTCGCGCGCGGCCCGCAGGCGCA[C>T]CTGGTTCACGGCGTGCAGGAGCAGACCTTCATAGCGCACGTCATGGCCTTCGCCGCCTGC-3'
Protein context (NP_112603.2, residues 456-476): VAVFARGPQA[His466=]LVHGVQEQTF